The following is an entry in ClinVar:

NM_001365536.1(SCN9A):c.2792C>G (p.Thr931Ser)

Genes: SCN1A-AS1 (SCN1A and SCN9A antisense RNA 1; plus strand), SCN9A (sodium voltage-gated channel alpha subunit 9; minus strand). Cytogenetic location: 2q24.3.
Variant type: single nucleotide variant.
Coding change: c.2792C>G on transcript NM_001365536.1 (MANE Select); coding-DNA position 2792, C replaced by G.
Protein change: p.Thr931Ser; replaces threonine 931 with serine.
Molecular consequence: missense variant.
Genome position (GRCh38, 1-based): chr2:166,277,065, G>C on the plus strand (C>G on the coding strand, the complement: SCN9A is on the minus strand). VCF-style: chr2-166277065-G-C. GRCh37 (hg19) VCF-style: chr2-167133575-G-C.
Other names: c.2759C>G, p.Thr920Ser (NM_002977.4); short protein forms T920S, T931S.
Identifiers: ClinVar variation 2152573 (VCV002152573.5), dbSNP rs1299624986, ClinGen allele CA349077389.

ClinVar aggregate classification (germline): Uncertain significance. Review status: criteria provided, multiple submitters, no conflicts (2 of 4 stars). 2 submissions from 2 submitters: Uncertain significance (2). Last evaluated 2026-07-03.

Conditions:
Inborn genetic diseases. Identifiers: MedGen C0950123, MeSH D030342.
Neuropathy, hereditary sensory and autonomic, type 2A (HSAN2A). Also called: HSAN IIA; ACROOSTEOLYSIS, GIACCAI TYPE; ACROOSTEOLYSIS, NEUROGENIC; MORVAN DISEASE; NEUROPATHY, CONGENITAL SENSORY; NEUROPATHY, HEREDITARY SENSORY RADICULAR, AUTOSOMAL RECESSIVE. Identifiers: Orphanet 970, MedGen C2752089, MONDO:0024309, OMIM 201300.
Generalized epilepsy with febrile seizures plus, type 7 (GEFSP7). Also called: GEFS+, TYPE 7. Identifiers: Orphanet 36387, MedGen C2751778, MONDO:0013470, OMIM 613863.

Allele frequency attached by ClinVar (database versions not stated): gnomAD 0.00001.
gnomAD v4.1: 7 of 1,613,862 alleles (0.00043%); highest among the groups gnomAD compares: Non-Finnish European, 0.00059%; no homozygotes.

Submissions (2):

Ambry Genetics
Classification: Uncertain significance for Inborn genetic diseases. Last evaluated: 2026-07-03. Review status: criteria provided, single submitter. Criteria: Ambry Variant Classification Scheme 2023. Collection method: clinical testing. Allele origin: germline.

Labcorp Genetics (formerly Invitae), Labcorp
Classification: Uncertain significance for Neuropathy, hereditary sensory and autonomic, type 2A; Generalized epilepsy with febrile seizures plus, type 7. Last evaluated: 2025-09-22. Review status: criteria provided, single submitter. Criteria: Invitae Variant Classification Sherloc (09022015). Collection method: clinical testing. Allele origin: germline.
Comment: This sequence change replaces threonine, which is neutral and polar, with serine, which is neutral and polar, at codon 920 of the SCN9A protein (p.Thr920Ser). This variant is not present in population databases (gnomAD no frequency). This variant has not been reported in the literature in individuals affected with SCN9A-related conditions. ClinVar contains an entry for this variant (Variation ID: 2152573). Invitae Evidence Modeling of protein sequence and biophysical properties (such as structural, functional, and spatial information, amino acid conservation, physicochemical variation, residue mobility, and thermodynamic stability) indicates that this missense variant is not expected to disrupt SCN9A protein function with a negative predictive value of 95%. In summary, the available evidence is currently insufficient to determine the role of this variant in disease. Therefore, it has been classified as a Variant of Uncertain Significance.